The following is an entry in ClinVar:

NM_001388022.1(TRIM66):c.1421C>T (p.Ser474Leu)

Gene: TRIM66 (tripartite motif containing 66; minus strand). Cytogenetic location: 11p15.4.
Variant type: single nucleotide variant.
Coding change: c.1421C>T on transcript NM_001388022.1 (MANE Select); coding-DNA position 1421, C replaced by T.
Protein change: p.Ser474Leu; replaces serine 474 with leucine.
Molecular consequence: missense variant.
Genome position (GRCh38, 1-based): chr11:8,640,954, G>A on the plus strand (C>T on the coding strand, the complement: TRIM66 is on the minus strand). VCF-style: chr11-8640954-G-A. GRCh37 (hg19) VCF-style: chr11-8662501-G-A.
Other names: c.1310C>T, p.Ser437Leu (NM_001388023.1); c.1421C>T, p.Ser474Leu (NM_001388024.1); c.986C>T, p.Ser329Leu (NM_014818.2); short protein forms S474L, S437L, S329L.
Identifiers: ClinVar variation 2212185 (VCV002212185.26), dbSNP rs199996769, ClinGen allele CA5872952.

ClinVar aggregate classification (germline): Conflicting classifications of pathogenicity. Review status: criteria provided, conflicting classifications (1 of 4 stars). 2 submissions from 2 submitters: Uncertain significance (1); Likely benign (1). Last evaluated 2022-09-01.

Allele frequency attached by ClinVar (database versions not stated): 1000 Genomes Project 0.00060; 1000 Genomes Project 30x 0.00062; ExAC 0.00131; gnomAD 0.00188; TOPMed 0.00188; gnomAD exomes 0.00267; ESP Exome Variant Server 0.00285.
gnomAD v4.1: 4,008 of 1,551,238 alleles (0.26%); highest among the groups gnomAD compares: Non-Finnish European, 0.32%; 9 homozygotes.

Submissions (2):

CeGaT Center for Human Genetics Tuebingen
Classification: Likely benign. Last evaluated: 2022-09-01. Review status: criteria provided, single submitter. Criteria: CeGaT Center For Human Genetics Tuebingen Variant Classification Criteria Version 2. Collection method: clinical testing. Allele origin: germline. Affected: yes. Observed: 1 variant allele.
Comment: TRIM66: BP4

Ambry Genetics
Classification: Uncertain significance. Last evaluated: 2021-07-13. Review status: criteria provided, single submitter. Criteria: Ambry Variant Classification Scheme 2023. Collection method: clinical testing. Allele origin: germline.